The following is an entry in ClinVar:

NM_005422.4(TECTA):c.340A>T (p.Arg114Ter)

Genes: TBCEL-TECTA (TBCEL-TECTA readthrough; plus strand), TECTA (tectorin alpha; plus strand). Cytogenetic location: 11q23.3.
Variant type: single nucleotide variant.
Coding change: c.340A>T on transcript NM_005422.4 (MANE Select); coding-DNA position 340, A replaced by T.
Protein change: p.Arg114Ter; replaces arginine 114 with a stop codon.
Molecular consequence: nonsense.
Genome position (GRCh38, 1-based): chr11:121,109,352, A>T. VCF-style: chr11-121109352-A-T. GRCh37 (hg19) VCF-style: chr11-120980061-A-T.
Other names: c.1297A>T, p.Arg433Ter (NM_001378761.1); short protein forms R114*, R433*.
Identifiers: ClinVar variation 4974991 (VCV004974991.1).

ClinVar aggregate classification (germline): Likely pathogenic (1 of 4 stars; one submission).

Conditions:
Autosomal recessive nonsyndromic hearing loss 21. Identifiers: Orphanet 90636, MedGen C1863655, MONDO:0011351, OMIM 603629.

Submission:

Diagnostics Services (NGS), CSIR - Centre For Cellular And Molecular Biology
Classification: Likely pathogenic for Autosomal recessive nonsyndromic hearing loss 21. Last evaluated: 2026-08-24. Review status: criteria provided, single submitter. Criteria: ACMG Guidelines, 2015. Collection method: clinical testing. Allele origin: germline. Affected: no. Observed: 1 variant allele, 1 heterozygote.